The following is an entry in ClinVar:

NM_020702.5(MYORG):c.663del (p.Phe221fs)

Gene: MYORG (myogenesis regulating glycosidase; minus strand). Cytogenetic location: 9p13.3.
Variant type: Deletion.
Coding change: c.663del on transcript NM_020702.5 (MANE Select); coding-DNA position 663, one base deleted (T; older notation c.663delT).
Protein change: p.Phe221fs; shifts the reading frame from phenylalanine 221.
Molecular consequence: frameshift variant.
Genome position (GRCh38, 1-based): chr9:34,372,281, A deleted on the plus strand (T on the coding strand, the reverse complement: MYORG is on the minus strand); the first of 3 consecutive A bases (chr9:34,372,281-34,372,283); deleting any one gives the same sequence. VCF-style (leftmost placement, unchanged base first): chr9-34372280-CA-C. GRCh37 (hg19) VCF-style: chr9-34372278-CA-C.
Other names: short protein forms F221fs.
Identifiers: ClinVar variation 4729816 (VCV004729816.1).

ClinVar aggregate classification (germline): Pathogenic (1 of 4 stars; one submission).

Submission:

Labcorp Genetics (formerly Invitae), Labcorp
Classification: Pathogenic. Last evaluated: 2025-10-24. Review status: criteria provided, single submitter. Criteria: Invitae Variant Classification Sherloc (09022015). Collection method: clinical testing. Allele origin: germline.
Comment: This sequence change creates a premature translational stop signal (p.Phe221Leufs*59) in the KIAA1161 gene. While this is not anticipated to result in nonsense mediated decay, it is expected to disrupt the last 494 amino acid(s) of the KIAA1161 protein. This variant is not present in population databases (gnomAD no frequency). This variant has not been reported in the literature in individuals affected with KIAA1161-related conditions. This variant disrupts a region of the KIAA1161 protein in which other variant(s) (p.Ile656Thr) have been determined to be pathogenic (PMID: 30649222, 31009047, 31951047, 32211515). This suggests that this is a clinically significant region of the protein, and that variants that disrupt it are likely to be disease-causing. For these reasons, this variant has been classified as Pathogenic.

Literature cited by the submitters: PubMed 30649222; PubMed 31009047; PubMed 31951047; PubMed 32211515.